The following is an entry in ClinVar:

ClinVar aggregate classification (germline): Benign/Likely benign. Review status: criteria provided, multiple submitters, no conflicts (2 of 4 stars). 9 submissions from 9 submitters: Benign (5); Likely benign (3). 1 of the submissions does not count toward it. Last evaluated 2026-09-01.

Conditions:
TTN-related disorder. Also called: TTN-related disorders; TTN-related condition; TTN-related disease.
Autosomal recessive limb-girdle muscular dystrophy type 2J (LGMDR10). Also called: MUSCULAR DYSTROPHY, LIMB-GIRDLE, AUTOSOMAL RECESSIVE 10; Limb-girdle muscular dystrophy, type 2J. Identifiers: Orphanet 140922, MedGen C1837342, MONDO:0012127, OMIM 608807.
Dilated cardiomyopathy 1G (CMD1G). Identifiers: Orphanet 154, MedGen C1858763, MONDO:0011400, OMIM 604145.
Cardiomyopathy (CMYO). Also called: Cardiomyopathies. Identifiers: Orphanet 167848, MedGen C0878544, MONDO:0004994, HP:0001638. Inheritance: Various modes of inheritance.

Submissions (9):

CeGaT Center for Human Genetics Tuebingen
Classification: Benign. Last evaluated: 2026-09-01. Review status: criteria provided, single submitter. Criteria: CeGaT Center For Human Genetics Tuebingen Variant Classification Criteria Version 2. Collection method: clinical testing. Allele origin: germline. Affected: yes. Observed: 9 variant alleles.
Comment: TTN: PM4:Supporting, BS1, BS2

Labcorp Genetics (formerly Invitae), Labcorp
Classification: Benign for Dilated cardiomyopathy 1G; Autosomal recessive limb-girdle muscular dystrophy type 2J. Last evaluated: 2026-01-19. Review status: criteria provided, single submitter. Criteria: Invitae Variant Classification Sherloc (09022015). Collection method: clinical testing. Allele origin: germline.

Molecular Diagnostic Laboratory for Inherited Cardiovascular Disease, Montreal Heart Institute
Classification: Likely benign. Last evaluated: 2025-04-09. Review status: criteria provided, single submitter. Criteria: ACMG Guidelines, 2015. Collection method: clinical testing. Allele origin: germline. Affected: no.

ARUP Laboratories, Molecular Genetics and Genomics, ARUP Laboratories
Classification: Benign. Last evaluated: 2023-10-19. Review status: criteria provided, single submitter. Criteria: ARUP Molecular Germline Variant Investigation Process 2024. Collection method: clinical testing. Allele origin: germline.

Women's Health and Genetics/Laboratory Corporation of America, LabCorp
Classification: Likely benign. Last evaluated: 2023-05-22. Review status: criteria provided, single submitter. Criteria: LabCorp Variant Classification Summary - May 2015. Collection method: clinical testing. Allele origin: germline.

CHEO Genetics Diagnostic Laboratory, Children's Hospital of Eastern Ontario
Classification: Benign for Cardiomyopathy. Last evaluated: 2018-07-31. Review status: criteria provided, single submitter. Criteria: ACMG Guidelines, 2015. Collection method: clinical testing. Allele origin: germline.

GeneDx
Classification: Benign. Last evaluated: 2016-03-31. Review status: criteria provided, single submitter. Criteria: GeneDx Variant Classification (06012015). Collection method: clinical testing. Allele origin: germline. Affected: yes.
Comment: This variant is considered likely benign or benign based on one or more of the following criteria: it is a conservative change, it occurs at a poorly conserved position in the protein, it is predicted to be benign by multiple in silico algorithms, and/or has population frequency not consistent with disease.

Laboratory for Molecular Medicine, Mass General Brigham Personalized Medicine
Classification: Likely benign. Last evaluated: 2014-09-24. Review status: criteria provided, single submitter. Criteria: LMM Criteria. Collection method: clinical testing. Allele origin: germline. Observed: 6 variant alleles.
Comment: p.Glu10172del in exon 143 of TTN: This variant is a deletion of 1 amino acid at position 10172 in a string of glutamic acid residues and is not predicted to alt er the protein reading-frame. This deletion is not expected to have clinical sig nificance due to a lack of conservation across species, including mammals. Of no te, 3 mammals (gorilla, alpaca, and camel) have a deletion at this position desp ite high nearby amino acid conservation.

PreventionGenetics, part of Exact Sciences
Classification: Benign for TTN-related condition. Last evaluated: 2019-03-27. Review status: no assertion criteria provided. Collection method: clinical testing. Allele origin: germline. Not counted in ClinVar's aggregate classification.
Comment: This variant is classified as benign based on ACMG/AMP sequence variant interpretation guidelines (Richards et al. 2015 PMID: 25741868, with internal and published modifications).

NM_001267550.2(TTN):c.34241AAG[2] (p.Glu11416del)

Gene: TTN (titin; minus strand). Cytogenetic location: 2q31.2.
Variant type: Microsatellite.
Coding change: c.34241AAG[2] on transcript NM_001267550.2 (MANE Select); two copies in a row of the 3-base unit AAG starting at c.34241; the reference has three copies in a row; one copy, 3 bases deleted; also written c.34247_34249del.
Protein change: p.Glu11416del; deletes glutamic acid 11416.
Molecular consequence: inframe deletion. On other transcripts: intron variant (3).
Genome position (GRCh38, 1-based): chr2:178,677,663-178,677,665, CTT deleted on the plus strand (AAG on the coding strand, the reverse complement: TTN is on the minus strand); deleting any 3 consecutive bases within chr2:178,677,663-178,677,672 gives the same sequence; the position shown is the placement nearest the transcript's 3' end. VCF-style (leftmost placement, unchanged base first): chr2-178677662-ACTT-A. GRCh37 (hg19) VCF-style: chr2-179542389-ACTT-A.
Other names: c.33296_33298delAAG (NM_001256850.1); c.30515_30517delAAG (NM_133378.4); c.34247_34249delAAG (NM_001267550.2); c.33296_33298del (NM_001256850.1); c.34247_34249del (NM_001267550.2); c.33290AAG[2], p.Glu11099del (NM_001256850.1); c.30509AAG[2], p.Glu10172del (NM_133378.4); c.13283-35354AAG[2] (NM_003319.4); and 3 more; short protein forms E11416del, E10172del, E11099del.
Identifiers: ClinVar variation 46901 (VCV000046901.53), dbSNP rs397517549, ClinGen allele CA139469.